The following is an entry in ClinVar:

ClinVar aggregate classification (germline): Uncertain significance (1 of 4 stars; one submission).

Conditions:
Cardiovascular phenotype. Identifiers: MedGen CN230736.

Submission:

Ambry Genetics
Classification: Uncertain significance for Cardiovascular phenotype. Last evaluated: 2026-05-24. Review status: criteria provided, single submitter. Criteria: Ambry Variant Classification Scheme 2023. Collection method: clinical testing. Allele origin: germline.
Comment: The p.Q128R variant (also known as c.383A>G), located in coding exon 4 of the ENG gene, results from an A to G substitution at nucleotide position 383. The glutamine at codon 128 is replaced by arginine, an amino acid with highly similar properties. This amino acid position is conserved. In addition, this alteration is predicted to be tolerated by in silico analysis. Based on the available evidence, the clinical significance of this variant remains unclear.

NM_001114753.3(ENG):c.383A>G (p.Gln128Arg)

Gene: ENG (endoglin; minus strand). Cytogenetic location: 9q34.11.
Variant type: single nucleotide variant.
Coding change: c.383A>G on transcript NM_001114753.3 (MANE Select); coding-DNA position 383, A replaced by G.
Protein change: p.Gln128Arg; replaces glutamine 128 with arginine.
Molecular consequence: missense variant. On other transcripts: 5 prime UTR variant (1).
Genome position (GRCh38, 1-based): chr9:127,826,650, T>C on the plus strand (A>G on the coding strand, the complement: ENG is on the minus strand). VCF-style: chr9-127826650-T-C. GRCh37 (hg19) VCF-style: chr9-130588929-T-C.
Other names: c.383A>G, p.Gln128Arg (NM_000118.4, NM_001406715.1); c.-164A>G (NM_001278138.2); short protein forms Q128R.
Identifiers: ClinVar variation 4870475 (VCV004870475.1).
Genomic context (GRCh38, chr9:127,826,650, plus strand): 5'-TCAAGGATCTGGGTCTTGGGGAAGGATGGCAGCTCTGTGGTGTTGACCCCCGGGGGCTCT[T>C]GGAAGGTGACCAGGCTGGAATTCTGGGGAGACATGTGGAGGCTCAGCACGCTGTTCCTGG-3'
Protein context (NP_001108225.1, residues 118-138): LAYNSSLVTF[Gln128Arg]EPPGVNTTEL